The following is an entry in ClinVar:

NM_000038.6(APC):c.5531A>C (p.His1844Pro)

Gene: APC (APC regulator of Wnt signaling pathway; plus strand). Cytogenetic location: 5q22.2.
Variant type: single nucleotide variant.
Coding change: c.5531A>C on transcript NM_000038.6 (MANE Select); coding-DNA position 5531, A replaced by C.
Protein change: p.His1844Pro; replaces histidine 1844 with proline.
Molecular consequence: missense variant. On other transcripts: non-coding transcript variant (2).
Genome position (GRCh38, 1-based): chr5:112,841,125, A>C. VCF-style: chr5-112841125-A-C. GRCh37 (hg19) VCF-style: chr5-112176822-A-C.
Other names: c.5531A>C, p.His1844Pro (NM_001127510.3, NM_001354895.2, NM_001407450.1); c.5477A>C, p.His1826Pro (NM_001127511.3); c.5585A>C, p.His1862Pro (NM_001354896.2, NM_001407447.1, NM_001407448.1 and 1 more transcripts); c.5561A>C, p.His1854Pro (NM_001354897.2); c.5456A>C, p.His1819Pro (NM_001354898.2); c.5447A>C, p.His1816Pro (NM_001354899.2); c.5408A>C, p.His1803Pro (NM_001354900.2); c.5354A>C, p.His1785Pro (NM_001354901.2, NM_001407453.1); and 11 more; short protein forms H1718P, H1743P, H1834P, H1844P, H1684P, H1785P, H1826P, H1862P.
Identifiers: ClinVar variation 2484315 (VCV002484315.2), dbSNP rs1392528791, ClinGen allele CA16033431.

ClinVar aggregate classification (germline): Uncertain significance (1 of 4 stars; one submission).

Conditions:
Hereditary cancer-predisposing syndrome. Also called: Neoplastic Syndromes, Hereditary; Hereditary neoplastic syndrome; Tumor predisposition; Hereditary Cancer Syndrome. Identifiers: Orphanet 140162, MedGen C0027672, MeSH D009386, MONDO:0015356.

Allele frequency attached by ClinVar (database versions not stated): gnomAD exomes below 0.00001; TOPMed below 0.00001.
gnomAD v4.1: 1 of 1,612,926 alleles (0.000062%); highest among the groups gnomAD compares: Admixed American, 0.0017%; no homozygotes.

Submission:

Ambry Genetics
Classification: Uncertain significance for Hereditary cancer-predisposing syndrome. Last evaluated: 2023-01-29. Review status: criteria provided, single submitter. Criteria: Ambry Variant Classification Scheme 2023. Collection method: clinical testing. Allele origin: germline.
Comment: The p.H1844P variant (also known as c.5531A>C), located in coding exon 15 of the APC gene, results from an A to C substitution at nucleotide position 5531. The histidine at codon 1844 is replaced by proline, an amino acid with similar properties. This amino acid position is conserved. In addition, in silico predictors for this gene do not accurately predict pathogenicity. Since supporting evidence is limited at this time, the clinical significance of this alteration remains unclear.